The following is an entry in ClinVar:

ClinVar aggregate classification (germline): Conflicting classifications of pathogenicity. Review status: criteria provided, conflicting classifications (1 of 4 stars). 7 submissions from 7 submitters: Uncertain significance (1); Likely benign (5). 1 of the submissions does not count toward it. Last evaluated 2026-01-11.

Conditions:
Cardiomyopathy (CMYO). Also called: Cardiomyopathies. Identifiers: Orphanet 167848, MedGen C0878544, MONDO:0004994, HP:0001638. Inheritance: Various modes of inheritance.
Duchenne muscular dystrophy (DMD). Also called: MUSCULAR DYSTROPHY, PSEUDOHYPERTROPHIC PROGRESSIVE, DUCHENNE TYPE; Duchenne Muscular Dystrophy (DMD). Identifiers: Orphanet 98896, MedGen C0013264, MONDO:0010679, OMIM 310200.
Becker muscular dystrophy (BMD). Also called: Becker Muscular Dystrophy (BMD); MUSCULAR DYSTROPHY, PSEUDOHYPERTROPHIC PROGRESSIVE, BECKER TYPE. Identifiers: Orphanet 98895, MedGen C0917713, MONDO:0010311, OMIM 300376.
Dystrophin deficiency.
Cardiovascular phenotype. Identifiers: MedGen CN230736.

Allele frequency attached by ClinVar (database versions not stated): gnomAD exomes 0.00005 and 0.00007; TOPMed 0.00005; ExAC 0.00005; gnomAD 0.00005; ESP Exome Variant Server 0.00019.
gnomAD v4.1: 63 of 1,206,862 alleles (0.0052%); highest among the groups gnomAD compares: Admixed American, 0.013%; no homozygotes.

Submissions (8):

Labcorp Genetics (formerly Invitae), Labcorp
Classification: Likely benign for Duchenne muscular dystrophy. Last evaluated: 2026-01-11. Review status: criteria provided, single submitter. Criteria: Invitae Variant Classification Sherloc (09022015). Collection method: clinical testing. Allele origin: germline.

Ambry Genetics
Classification: Likely benign for Cardiovascular phenotype. Last evaluated: 2022-10-25. Review status: criteria provided, single submitter. Criteria: Ambry Variant Classification Scheme 2023. Collection method: clinical testing. Allele origin: germline.

GeneDx
Classification: Likely benign. Last evaluated: 2020-12-09. Review status: criteria provided, single submitter. Criteria: GeneDx Variant Classification Process June 2021. Collection method: clinical testing. Allele origin: germline. Affected: yes.

Eurofins Ntd Llc (ga)
Classification: Uncertain significance. Last evaluated: 2018-08-23. Review status: criteria provided, single submitter. Criteria: EGL ClinVar v180209 classification definitions. Collection method: clinical testing. Allele origin: germline. Observed: 2 variant alleles, 2 hemizygotes.

ARUP Laboratories, Molecular Genetics and Genomics, ARUP Laboratories
Classification: Likely benign. Last evaluated: 2017-03-27. Review status: criteria provided, single submitter. Criteria: ARUP Molecular Germline Variant Investigation Process. Collection method: clinical testing. Allele origin: germline.

Laboratory for Molecular Medicine, Mass General Brigham Personalized Medicine
Classification: Likely benign. Last evaluated: 2015-06-12. Review status: criteria provided, single submitter. Criteria: LMM Criteria. Collection method: clinical testing. Allele origin: germline. Observed: 1 variant allele.
Comment: p.Arg49Cys in exon 3 of DMD: This variant is not expected to have clinical signi ficance due to a lack of conservation across species, including mammals. Of note , 3 mammals (naked mole-rat, camel, and alpaca) have a cysteine (Cys) at this po sition despite high nearby amino acid conservation. It has been identified in th e heterozygous state in 1/47900 European chromosomes and 1/8501 African chromoso mes as well as in the hemizygous state in 1/9282 Latino chromosomes by the Exome Aggregation Consortium (ExAC; dbSNP rs147548697 ).

Natera, Inc.
Classification: Likely benign for Becker muscular dystrophy; Cardiomyopathy; Duchenne muscular dystrophy; Dystrophin deficiency. Last evaluated: 2020-04-20. Review status: no assertion criteria provided. Collection method: clinical testing. Allele origin: germline. Not counted in ClinVar's aggregate classification.

Dr. Peter K. Rogan Lab, Western University
No classification provided (evidence only). Condition: Thyroid cancer, nonmedullary, 1. Review status: no classification provided. Collection method: in vitro. Allele origin: not applicable. Functional consequence: retained intron. Not counted in ClinVar's aggregate classification.

NM_004006.3(DMD):c.145C>T (p.Arg49Cys)

Gene: DMD (dystrophin; minus strand). Cytogenetic location: Xp21.1.
Variant type: single nucleotide variant.
Coding change: c.145C>T on transcript NM_004006.3 (MANE Select); coding-DNA position 145, C replaced by T.
Protein change: p.Arg49Cys; replaces arginine 49 with cysteine.
Molecular consequence: missense variant. On other transcripts: 5 prime UTR variant (1).
Genome position (GRCh38, 1-based): chrX:32,849,769, G>A on the plus strand (C>T on the coding strand, the complement: DMD is on the minus strand). VCF-style: chrX-32849769-G-A. GRCh37 (hg19) VCF-style: chrX-32867886-G-A.
Other names: c.121C>T, p.Arg41Cys (NM_000109.4); c.133C>T, p.Arg45Cys (NM_004009.3); c.-225C>T (NM_004010.3); short protein forms R49C, R45C, R41C.
Identifiers: ClinVar variation 227305 (VCV000227305.31), dbSNP rs147548697, ClinGen allele CA10380250.